The following is an entry in ClinVar:

NR_003051.4(RMRP):n.16G>A

Gene: RMRP (RNA component of mitochondrial RNA processing endoribonuclease; minus strand). Cytogenetic location: 9p13.3.
Variant type: single nucleotide variant.
Genome position: GRCh38 VCF-style: chr9-35658004-C-T. GRCh37 (hg19) VCF-style: chr9-35658001-C-T.
Other names: 14G-A.
Identifiers: ClinVar variation 14226 (VCV000014226.7), dbSNP rs902313238, ClinGen allele CA464451063.

ClinVar aggregate classification (germline): Pathogenic/Likely pathogenic. Review status: criteria provided, multiple submitters, no conflicts (2 of 4 stars). 3 submissions from 3 submitters: Pathogenic (1); Likely pathogenic (1). 1 of the submissions does not count toward it. Last evaluated 2026-05-19.

Conditions:
Anauxetic dysplasia. Identifiers: Orphanet 93347, MedGen C1846796, MONDO:0011773.
Anauxetic dysplasia 1 (ANXD1). Also called: Anauxetic Dysplasia (AD). Identifiers: Orphanet 93347, MedGen C4551965, MONDO:0054560, OMIM 607095.
Metaphyseal chondrodysplasia, McKusick type (CHH). Also called: Cartilage-Hair Hypoplasia (CHH); Cartilage-hair hypoplasia. Identifiers: Orphanet 175, MedGen C0220748, MONDO:0009595, OMIM 250250.

gnomAD v4.1: 4 of 694,174 alleles (0.00058%); highest among the groups gnomAD compares: African/African-American, 0.0035%; no homozygotes.

Submissions (3):

Women's Health and Genetics/Laboratory Corporation of America, LabCorp
Classification: Likely pathogenic for Metaphyseal chondrodysplasia, McKusick type. Last evaluated: 2026-05-19. Review status: criteria provided, single submitter. Criteria: LabCorp Variant Classification Summary - May 2015. Collection method: clinical testing. Allele origin: germline.
Comment: Variant summary: RMRP n.15G>A (also known as NC_000009.11: chr9:g.35658001C>T) alters a nucleotide in the non-coding RNA. The variant was absent in 129128 control chromosomes. n.15G>A has been observed in two individuals affected with RMRP-related Autosomal Recessive Anauxetic dysplasia 1 (Thiel_2005). These data indicate that the variant may be associated with disease. At least one publication reports experimental evidence evaluating an impact on protein function (Thiel_2005). The most pronounced variant effect results in lack of expression of mutant allele in vivo and significantly decreased expression in transfected fibroblasts and lymphocytes in vitro. The following publication have been ascertained in the context of this evaluation (PMID: 16252239). ClinVar contains an entry for this variant (Variation ID: 14226). Based on the evidence outlined above, the variant was classified as likely pathogenic.

Labcorp Genetics (formerly Invitae), Labcorp
Classification: Pathogenic for Anauxetic dysplasia. Last evaluated: 2026-01-27. Review status: criteria provided, single submitter. Criteria: Invitae Variant Classification Sherloc (09022015). Collection method: clinical testing. Allele origin: germline.
Comment: This variant occurs in the RMRP gene, which encodes an RNA molecule that does not result in a protein product. This variant is not present in population databases (gnomAD no frequency). This variant has been observed in individual(s) with cartilage-hair hypoplasia-anauxetic dysplasia spectrum disorders (PMID: 16252239). In at least one individual the data is consistent with being in trans (on the opposite chromosome) from a pathogenic variant. It has also been observed to segregate with disease in related individuals. This variant is also known as +14G>A. ClinVar contains an entry for this variant (Variation ID: 14226). Algorithms developed to predict the effect of variants on gene product structure and function are not available or were not evaluated for this variant. Experimental studies have shown that this variant affects RMRP function (PMID: 16252239). This variant disrupts the n.15G nucleotide in the RMRP gene. Other variant(s) that disrupt this nucleotide have been determined to be pathogenic (PMID: 16838329). This suggests that this nucleotide is clinically significant, and that variants that disrupt this position are likely to be disease-causing. For these reasons, this variant has been classified as Pathogenic.

OMIM
Classification: Pathogenic for ANAUXETIC DYSPLASIA 1. Last evaluated: 2005-11-01. Review status: no assertion criteria provided. Collection method: literature only. Allele origin: germline. Not counted in ClinVar's aggregate classification.

Literature cited by the submitters: PubMed 16252239 (cited by 3 submitters); PubMed 16838329 (cited by Labcorp Genetics (formerly Invitae), Labcorp); PubMed 11370632 (cited by OMIM).